The following is an entry in ClinVar:

NM_024408.4(NOTCH2):c.3650C>T (p.Thr1217Ile)

Gene: NOTCH2 (notch receptor 2; minus strand). Cytogenetic location: 1p12.
Variant type: single nucleotide variant.
Coding change: c.3650C>T on transcript NM_024408.4 (MANE Select); coding-DNA position 3650, C replaced by T.
Protein change: p.Thr1217Ile; replaces threonine 1217 with isoleucine.
Molecular consequence: missense variant.
Genome position (GRCh38, 1-based): chr1:119,935,477, G>A on the plus strand (C>T on the coding strand, the complement: NOTCH2 is on the minus strand). VCF-style: chr1-119935477-G-A. GRCh37 (hg19) VCF-style: chr1-120478100-G-A.
Other names: c.3650C>T, p.Thr1217Ile (NM_001200001.2); short protein forms T1217I.
Identifiers: ClinVar variation 3007180 (VCV003007180.3), dbSNP rs1553195619, ClinGen allele CA341851191.

ClinVar aggregate classification (germline): Uncertain significance (1 of 4 stars; one submission).

Conditions:
Hajdu-Cheney syndrome (HJCYS). Also called: ACROOSTEOLYSIS WITH OSTEOPOROSIS AND CHANGES IN SKULL AND MANDIBLE; SERPENTINE FIBULA-POLYCYSTIC KIDNEY SYNDROME; Acroosteolysis dominant type. Identifiers: Orphanet 955, MedGen C0917715, MONDO:0007057, OMIM 102500.

Allele frequency attached by ClinVar (database versions not stated): gnomAD exomes 0.00001.
gnomAD v4.1: 3 of 1,614,196 alleles (0.00019%); highest among the groups gnomAD compares: Non-Finnish European, 0.000085%; no homozygotes.

Submission:

Labcorp Genetics (formerly Invitae), Labcorp
Classification: Uncertain significance for Hajdu-Cheney syndrome. Last evaluated: 2023-06-09. Review status: criteria provided, single submitter. Criteria: Invitae Variant Classification Sherloc (09022015). Collection method: clinical testing. Allele origin: germline.
Comment: This variant is present in population databases (no rsID available, gnomAD 0.004%). This sequence change replaces threonine, which is neutral and polar, with isoleucine, which is neutral and non-polar, at codon 1217 of the NOTCH2 protein (p.Thr1217Ile). This variant has not been reported in the literature in individuals affected with NOTCH2-related conditions. In summary, the available evidence is currently insufficient to determine the role of this variant in disease. Therefore, it has been classified as a Variant of Uncertain Significance. Advanced modeling of protein sequence and biophysical properties (such as structural, functional, and spatial information, amino acid conservation, physicochemical variation, residue mobility, and thermodynamic stability) has been performed at Invitae for this missense variant, however the output from this modeling did not meet the statistical confidence thresholds required to predict the impact of this variant on NOTCH2 protein function.